The following is an entry in ClinVar:

NM_001039660.2(IL18BP):c.19_20del (p.Trp7fs)

Gene: IL18BP (interleukin 18 binding protein; plus strand). Cytogenetic location: 11q13.4.
Variant type: Deletion.
Coding change: c.19_20del on transcript NM_001039660.2 (MANE Select); coding-DNA positions 19 to 20, 2 bases deleted (TG; older notation c.19_20delTG).
Protein change: p.Trp7fs; shifts the reading frame from tryptophan 7.
Molecular consequence: frameshift variant.
Genome position (GRCh38, 1-based): chr11:72,000,003-72,000,004, TG deleted. VCF-style (leftmost placement, unchanged base first): chr11-72000002-CTG-C. GRCh37 (hg19) VCF-style: chr11-71711048-CTG-C.
Other names: c.19_20del, p.Trp7fs (NM_001039659.2, NM_001145055.1, NM_001145057.1 and 3 more transcripts); short protein forms W7fs.
Identifiers: ClinVar variation 2824119 (VCV002824119.3), dbSNP rs2495818500, ClinGen allele CA2739270634.

ClinVar aggregate classification (germline): Uncertain significance (1 of 4 stars; one submission).

Submission:

Labcorp Genetics (formerly Invitae), Labcorp
Classification: Uncertain significance. Last evaluated: 2022-12-25. Review status: criteria provided, single submitter. Criteria: Invitae Variant Classification Sherloc (09022015). Collection method: clinical testing. Allele origin: germline.
Comment: This sequence change creates a premature translational stop signal (p.Trp7Aspfs*38) in the IL18BP gene. It is expected to result in an absent or disrupted protein product. However, the current clinical and genetic evidence is not sufficient to establish whether loss-of-function variants in IL18BP cause disease. This variant is not present in population databases (gnomAD no frequency). This variant has not been reported in the literature in individuals affected with IL18BP-related conditions. In summary, the available evidence is currently insufficient to determine the role of this variant in disease. Therefore, it has been classified as a Variant of Uncertain Significance.